The following is an entry in ClinVar:

NM_006031.6(PCNT):c.591C>G (p.Ile197Met)

Gene: PCNT (pericentrin; plus strand). Cytogenetic location: 21q22.3.
Variant type: single nucleotide variant.
Coding change: c.591C>G on transcript NM_006031.6 (MANE Select); coding-DNA position 591, C replaced by G.
Protein change: p.Ile197Met; replaces isoleucine 197 with methionine.
Molecular consequence: missense variant.
Genome position (GRCh38, 1-based): chr21:46,334,720, C>G. VCF-style: chr21-46334720-C-G. GRCh37 (hg19) VCF-style: chr21-47754634-C-G.
Other names: c.237C>G, p.Ile79Met (NM_001315529.2); short protein forms I197M, I79M.
Identifiers: ClinVar variation 436175 (VCV000436175.11), dbSNP rs559031201, ClinGen allele CA10078307.

ClinVar aggregate classification (germline): Conflicting classifications of pathogenicity. Review status: criteria provided, conflicting classifications (1 of 4 stars). 5 submissions from 5 submitters: Uncertain significance (3); Likely benign (2). Last evaluated 2026-07-01.

Conditions:
PCNT-related disorder. Also called: PCNT-related condition.

Allele frequency attached by ClinVar (database versions not stated): gnomAD exomes 0.00001; gnomAD 0.00004 and 0.00005; ExAC 0.00006; 1000 Genomes Project 30x 0.00016; 1000 Genomes Project 0.00020.
gnomAD v4.1: 30 of 1,612,252 alleles (0.0019%); highest among the groups gnomAD compares: South Asian, 0.0033%; no homozygotes.

Submissions (5):

CeGaT Center for Human Genetics Tuebingen
Classification: Likely benign. Last evaluated: 2026-07-01. Review status: criteria provided, single submitter. Criteria: CeGaT Center For Human Genetics Tuebingen Variant Classification Criteria Version 2. Collection method: clinical testing. Allele origin: germline. Affected: yes. Observed: 1 variant allele.
Comment: PCNT: BP4

PreventionGenetics, part of Exact Sciences
Classification: Uncertain significance for PCNT-related condition. Last evaluated: 2025-08-06. Review status: criteria provided, single submitter. Criteria: ACMG Guidelines, 2015. Collection method: clinical testing. Allele origin: germline.
Comment: The PCNT c.591C>G variant is predicted to result in the amino acid substitution p.Ile197Met. To our knowledge, this variant has not been reported in the literature. This variant is reported in 0.0033% of alleles in individuals of South Asian descent in gnomAD. At this time, the clinical significance of this variant is uncertain due to the absence of conclusive functional and genetic evidence.

GeneDx
Classification: Likely benign. Last evaluated: 2025-03-20. Review status: criteria provided, single submitter. Criteria: GeneDx Variant Classification Process June 2021. Collection method: clinical testing. Allele origin: germline. Affected: yes.
Comment: See Variant Classification Assertion Criteria.

Labcorp Genetics (formerly Invitae), Labcorp
Classification: Uncertain significance. Last evaluated: 2022-03-01. Review status: criteria provided, single submitter. Criteria: Invitae Variant Classification Sherloc (09022015). Collection method: clinical testing. Allele origin: germline.
Comment: This sequence change replaces isoleucine, which is neutral and non-polar, with methionine, which is neutral and non-polar, at codon 197 of the PCNT protein (p.Ile197Met). This variant is present in population databases (rs559031201, gnomAD 0.003%). This variant has not been reported in the literature in individuals affected with PCNT-related conditions. ClinVar contains an entry for this variant (Variation ID: 436175). Algorithms developed to predict the effect of missense changes on protein structure and function output the following: SIFT: "Tolerated"; PolyPhen-2: "Benign"; Align-GVGD: "Class C0". The methionine amino acid residue is found in multiple mammalian species, which suggests that this missense change does not adversely affect protein function. In summary, the available evidence is currently insufficient to determine the role of this variant in disease. Therefore, it has been classified as a Variant of Uncertain Significance.

Genetic Services Laboratory, University of Chicago
Classification: Uncertain significance. Last evaluated: 2017-06-26. Review status: criteria provided, single submitter. Criteria: ACMG Guidelines, 2015. Collection method: clinical testing. Allele origin: germline. Affected: no.